The following is an entry in ClinVar:

NM_022464.5(SIL1):c.135G>A (p.Lys45=)

Gene: SIL1 (SIL1 nucleotide exchange factor; minus strand). Cytogenetic location: 5q31.2.
Variant type: single nucleotide variant.
Coding change: c.135G>A on transcript NM_022464.5 (MANE Select); coding-DNA position 135, G replaced by A.
Protein change: p.Lys45=; no amino-acid change (lysine 45 retained).
Molecular consequence: synonymous variant.
Genome position (GRCh38, 1-based): chr5:139,121,144, C>T on the plus strand (G>A on the coding strand, the complement: SIL1 is on the minus strand). VCF-style: chr5-139121144-C-T. GRCh37 (hg19) VCF-style: chr5-138456833-C-T.
Other names: c.135G>A, p.Lys45= (NM_001037633.2).
Identifiers: ClinVar variation 2684383 (VCV002684383.4), dbSNP rs1197539689, ClinGen allele CA446723287.
Genomic context (GRCh38, chr5:139,121,144, plus strand): 5'-TTCGGCATCCAGCTCCTCCTCGGCTTTGGTTTCTTTTCTCTCTGTTTCTTTGGTGCTGCT[C>T]TTCTCTGGGTTGGTCAGGGCAAACTCCTTCTGAGAAAAGAAAACACAGGGCATGACCCAC-3'
Protein context (NP_071909.1, residues 35-55): LKEFALTNPE[Lys45=]SSTKETERKE

ClinVar aggregate classification (germline): Conflicting classifications of pathogenicity. Review status: criteria provided, conflicting classifications (1 of 4 stars). 2 submissions from 2 submitters: Uncertain significance (1); Likely benign (1). Last evaluated 2023-08-27.

Conditions:
Marinesco-Sjögren syndrome (MSS). Also called: Marinesco-SjÃ¶gren syndrome; Marinesco-Sjogren Syndrome. Identifiers: Orphanet 559, MedGen C0024814, MONDO:0009567, OMIM 248800.

Allele frequency attached by ClinVar (database versions not stated): TOPMed below 0.00001; gnomAD exomes 0.00007.
gnomAD v4.1: 103 of 1,614,182 alleles (0.0064%); highest among the groups gnomAD compares: Non-Finnish European, 0.0086%; no homozygotes.

Submissions (2):

Labcorp Genetics (formerly Invitae), Labcorp
Classification: Likely benign for Marinesco-Sjögren syndrome. Last evaluated: 2023-08-27. Review status: criteria provided, single submitter. Criteria: Invitae Variant Classification Sherloc (09022015). Collection method: clinical testing. Allele origin: germline.

Athena Diagnostics
Classification: Uncertain significance. Last evaluated: 2023-03-17. Review status: criteria provided, single submitter. Criteria: Athena Diagnostics Criteria. Collection method: clinical testing. Allele origin: unknown.
Comment: Available data are insufficient to determine the clinical significance of the variant at this time. The frequency of this variant in the general population is uninformative in assessment of its pathogenicity. Computational tools yielded predictions that this variant is unlikely to have an effect on normal RNA splicing.